The following is an entry in ClinVar:

ClinVar aggregate classification (germline): Conflicting classifications of pathogenicity. Review status: criteria provided, conflicting classifications (1 of 4 stars). 5 submissions from 5 submitters: Uncertain significance (1); Likely benign (3). 1 of the submissions does not count toward it. Last evaluated 2026-01-31.

Conditions:
LRP2-related disorder. Also called: LRP2-related condition.
Donnai-Barrow syndrome. Also called: DBS/FOAR SYNDROME; FACIOOCULOACOUSTICORENAL SYNDROME. Identifiers: Orphanet 2143, MedGen C1857277, MONDO:0009104, OMIM 222448.

Allele frequency attached by ClinVar (database versions not stated): gnomAD exomes 0.00011 and 0.00015; ExAC 0.00012; ESP Exome Variant Server 0.00015; TOPMed 0.00028; gnomAD 0.00030 and 0.00032.
gnomAD v4.1: 214 of 1,589,296 alleles (0.013%); highest among the groups gnomAD compares: Middle Eastern, 0.23%; no homozygotes.

Submissions (5):

Labcorp Genetics (formerly Invitae), Labcorp
Classification: Likely benign. Last evaluated: 2026-01-31. Review status: criteria provided, single submitter. Criteria: Invitae Variant Classification Sherloc (09022015). Collection method: clinical testing. Allele origin: germline.

Blueprint Genetics
Classification: Likely benign. Last evaluated: 2024-10-14. Review status: criteria provided, single submitter. Criteria: ACMG Guidelines, 2015. Collection method: clinical testing. Allele origin: germline.

Genome-Nilou Lab
Classification: Likely benign for Donnai-Barrow syndrome. Last evaluated: 2021-07-15. Review status: criteria provided, single submitter. Criteria: ACMG Guidelines, 2015. Collection method: clinical testing. Allele origin: germline. Affected: no.

Illumina Laboratory Services, Illumina
Classification: Uncertain significance for Donnai-Barrow syndrome. Last evaluated: 2018-01-13. Review status: criteria provided, single submitter. Criteria: ICSL Variant Classification Criteria 13 December 2019. Collection method: clinical testing. Allele origin: germline.

PreventionGenetics, part of Exact Sciences
Classification: Likely benign for LRP2-related condition. Last evaluated: 2023-06-30. Review status: no assertion criteria provided. Collection method: clinical testing. Allele origin: germline. Not counted in ClinVar's aggregate classification.
Comment: This variant is classified as likely benign based on ACMG/AMP sequence variant interpretation guidelines (Richards et al. 2015 PMID: 25741868, with internal and published modifications).

NM_004525.3(LRP2):c.3551-9C>A

Gene: LRP2 (LDL receptor related protein 2; minus strand). Cytogenetic location: 2q31.1.
Variant type: single nucleotide variant.
Coding change: c.3551-9C>A on transcript NM_004525.3 (MANE Select); 9 bases into the intron before coding-DNA position 3551, C replaced by A.
Molecular consequence: intron variant.
Genome position (GRCh38, 1-based): chr2:169,243,081, G>T on the plus strand (C>A on the coding strand, the complement: LRP2 is on the minus strand). VCF-style: chr2-169243081-G-T. GRCh37 (hg19) VCF-style: chr2-170099591-G-T.
Identifiers: ClinVar variation 332179 (VCV000332179.20), dbSNP rs373882047, ClinGen allele CA1955000.
Genomic context (GRCh38, chr2:169,243,081, plus strand): 5'-ATACATTTATCCCCACTGGCACACTTGAATTGAGAAGCAGTACAGTTTAATACTAAGAAT[G>T]AAAGAGAAAAGCATTAGAAATTAGCTCAGGGCTAAAATGACTAAACACTGAGATTTTTCT-3'